The following is an entry in ClinVar:

NC_000017.11:g.(?_40628785)_(40647851_?)dup

Gene: SMARCE1 (SWI/SNF related BAF chromatin remodeling complex subunit E1; minus strand). Cytogenetic location: 17q21.2.
Variant type: Duplication.
Identifiers: ClinVar variation 830909 (VCV000830909.2).

ClinVar aggregate classification (germline): Uncertain significance (1 of 4 stars; one submission).

Conditions:
Familial meningioma. Also called: Meningioma, familial, susceptibility to. Identifiers: Orphanet 263662, MedGen C3551915, MONDO:0011789, OMIM 607174.

Submission:

Labcorp Genetics (formerly Invitae), Labcorp
Classification: Uncertain significance for Familial meningioma. Last evaluated: 2022-06-26. Review status: criteria provided, single submitter. Criteria: Invitae Variant Classification Sherloc (09022015). Collection method: clinical testing. Allele origin: germline.
Comment: A copy number gain of the genomic region encompassing the full coding sequence of the SMARCE1 gene has been identified. The boundaries of this event are unknown as they extend beyond the assayed region for this gene and therefore may encompass additional genes. As the precise location of this event is unknown, it may be in tandem or it may be located elsewhere in the genome. This variant has not been reported in the literature in individuals affected with SMARCE1-related conditions. In summary, the available evidence is currently insufficient to determine the role of this variant in disease. Therefore, it has been classified as a Variant of Uncertain Significance.